The following is an entry in ClinVar:

ClinVar aggregate classification (germline): Likely benign. Review status: criteria provided, single submitter (1 of 4 stars). 2 submissions from 2 submitters: Likely benign (1). 1 of the submissions does not count toward it. Last evaluated 2024-10-04.

Conditions:
LAMA2-related disorder. Also called: LAMA2-related condition; LAMA2-related disorders.

Allele frequency attached by ClinVar (database versions not stated): TOPMed 0.00002; gnomAD 0.00003; gnomAD exomes 0.00008; ExAC 0.00013; 1000 Genomes Project 30x 0.00016.
gnomAD v4.1: 120 of 1,584,540 alleles (0.0076%); highest among the groups gnomAD compares: South Asian, 0.13%; 3 homozygotes.

Submissions (2):

Blueprint Genetics
Classification: Likely benign. Last evaluated: 2024-10-04. Review status: criteria provided, single submitter. Criteria: ACMG Guidelines, 2015. Collection method: clinical testing. Allele origin: germline.

PreventionGenetics, part of Exact Sciences
Classification: Likely benign for LAMA2-related condition. Last evaluated: 2022-04-19. Review status: no assertion criteria provided. Collection method: clinical testing. Allele origin: germline. Not counted in ClinVar's aggregate classification.
Comment: This variant is classified as likely benign based on ACMG/AMP sequence variant interpretation guidelines (Richards et al. 2015 PMID: 25741868, with internal and published modifications).

NM_000426.4(LAMA2):c.5235-28T>C

Gene: LAMA2 (laminin subunit alpha 2; plus strand). Cytogenetic location: 6q22.33.
Variant type: single nucleotide variant.
Coding change: c.5235-28T>C on transcript NM_000426.4 (MANE Select); 28 bases into the intron before coding-DNA position 5235, T replaced by C.
Molecular consequence: intron variant.
Genome position (GRCh38, 1-based): chr6:129,393,017, T>C. VCF-style: chr6-129393017-T-C. GRCh37 (hg19) VCF-style: chr6-129714162-T-C.
Other names: c.5235-28T>C (NM_001079823.2).
Identifiers: ClinVar variation 3047752 (VCV003047752.3), dbSNP rs776304369, ClinGen allele CA3993818.